The following is an entry in ClinVar:

NM_170606.3(KMT2C):c.4226A>G (p.Asp1409Gly)

Gene: KMT2C (lysine methyltransferase 2C; minus strand). Cytogenetic location: 7q36.1.
Variant type: single nucleotide variant.
Coding change: c.4226A>G on transcript NM_170606.3 (MANE Select); coding-DNA position 4226, A replaced by G.
Protein change: p.Asp1409Gly; replaces aspartic acid 1409 with glycine.
Molecular consequence: missense variant.
Genome position (GRCh38, 1-based): chr7:152,199,326, T>C on the plus strand (A>G on the coding strand, the complement: KMT2C is on the minus strand). VCF-style: chr7-152199326-T-C. GRCh37 (hg19) VCF-style: chr7-151896411-T-C.
Other names: short protein forms D1409G.
Identifiers: ClinVar variation 4538987 (VCV004538987.1).

ClinVar aggregate classification (germline): Uncertain significance (1 of 4 stars; one submission).

gnomAD v4.1: 1 of 1,603,158 alleles (0.000062%); highest among the groups gnomAD compares: Non-Finnish European, 0.000085%; no homozygotes.

Submission:

GeneDx
Classification: Uncertain significance. Last evaluated: 2025-06-20. Review status: criteria provided, single submitter. Criteria: GeneDx Variant Classification Process June 2021. Collection method: clinical testing. Allele origin: germline. Affected: yes.
Comment: Not observed at significant frequency in large population cohorts (gnomAD); In silico analysis supports that this missense variant has a deleterious effect on protein structure/function; Has not been previously published as pathogenic or benign to our knowledge; In silico analysis suggests this variant may impact gene splicing. In the absence of RNA/functional studies, the actual effect of this sequence change is unknown.